The following is an entry in ClinVar:

ClinVar aggregate classification (germline): Uncertain significance (1 of 4 stars; one submission).

Conditions:
Joubert syndrome. Also called: CEREBELLOPARENCHYMAL DISORDER IV; JOUBERT-BOLTSHAUSER SYNDROME; Familial aplasia of the vermis. Identifiers: Orphanet 475, MedGen C5979921, MONDO:0018772.

Allele frequency attached by ClinVar (database versions not stated): gnomAD exomes below 0.00001.

Submission:

Labcorp Genetics (formerly Invitae), Labcorp
Classification: Uncertain significance for Joubert syndrome. Last evaluated: 2020-12-04. Review status: criteria provided, single submitter. Criteria: Invitae Variant Classification Sherloc (09022015). Collection method: clinical testing. Allele origin: germline.
Comment: In summary, the available evidence is currently insufficient to determine the role of this variant in disease. Therefore, it has been classified as a Variant of Uncertain Significance. Advanced modeling of protein sequence and biophysical properties (such as structural, functional, and spatial information, amino acid conservation, physicochemical variation, residue mobility, and thermodynamic stability) performed at Invitae indicates that this missense variant is not expected to disrupt INPP5E protein function. This variant has not been reported in the literature in individuals with INPP5E-related conditions. This variant is not present in population databases (ExAC no frequency). This sequence change replaces serine with proline at codon 205 of the INPP5E protein (p.Ser205Pro). The serine residue is moderately conserved and there is a moderate physicochemical difference between serine and proline.

NM_019892.6(INPP5E):c.613T>C (p.Ser205Pro)

Gene: INPP5E (inositol polyphosphate-5-phosphatase E; minus strand). Cytogenetic location: 9q34.3.
Variant type: single nucleotide variant.
Coding change: c.613T>C on transcript NM_019892.6 (MANE Select); coding-DNA position 613, T replaced by C.
Protein change: p.Ser205Pro; replaces serine 205 with proline.
Molecular consequence: missense variant.
Genome position (GRCh38, 1-based): chr9:136,438,807, A>G on the plus strand (T>C on the coding strand, the complement: INPP5E is on the minus strand). VCF-style: chr9-136438807-A-G. GRCh37 (hg19) VCF-style: chr9-139333259-A-G.
Other names: c.613T>C, p.Ser205Pro (NM_001318502.2); short protein forms S205P.
Identifiers: ClinVar variation 1395429 (VCV001395429.8), dbSNP rs1216505048, ClinGen allele CA375568193.
Genomic context (GRCh38, chr9:136,438,807, plus strand): 5'-GCTGCGCGCGGAGCTTGTAGTCTGCAAGATCCGAGTCGACCTTGTTTGCTGTCCTCAGGG[A>G]GTCGGAGGCGATGTCCAGGCTCAGGGCAGGCGGTGGGCGCGGGGGCAGCAGGCTGGGCAG-3'
Protein context (NP_063945.2, residues 195-215): PALSLDIASD[Ser205Pro]LRTANKVDSD